The following continues an entry in ClinVar:

NM_000260.4(MYO7A):c.6487G>A (p.Gly2163Ser)

Gene: MYO7A. ClinVar aggregate classification (germline): Pathogenic/Likely pathogenic. Pathogenic (10); Likely pathogenic (4).

Submissions 12 to 16 of 16:

Institute of Human Genetics, Univ. Regensburg, Univ. Regensburg
Classification: Pathogenic for Retinal dystrophy. Last evaluated: 2020-01-01. Review status: criteria provided, single submitter. Criteria: ACMG Guidelines, 2015. Collection method: clinical testing. Allele origin: germline. Affected: yes.

Genetics Research Center, University of Social Welfare and Rehabilitation Sciences
Classification: Pathogenic for Autosomal recessive nonsyndromic hearing loss 2. Review status: criteria provided, single submitter. Criteria: ACMG Guidelines, 2015. Collection method: research. Allele origin: germline. Affected: yes.
Comment: The variant is present in the gnomAD v2.1.1 dataset at a very low allele frequency (0.002%) and has been previously reported in individual(s) affected with MYO7A-related hearing loss (PMID: 27460420, 19375528, 12786748, 24105371, 23770805, 26561413, 19888295, 21117948, 28451532, 23226338, 26226137, 30531642, 32747562, 31964843, 38711914, 38465142, 33528536, 10094549). Previously published functional data demonstrate that the p.(G2163S) substitution compromises MYO7A binding to harmonin, resulting in altered mechanotransduction of cadherin linkages connecting stereocilia and microvilli (PMID:28660889). The variant is predicted to be damaging by multiple in-silico tools.

Juno Genomics, Hangzhou Juno Genomics, Inc
Classification: Likely pathogenic for Autosomal dominant nonsyndromic hearing loss 11; Autosomal recessive nonsyndromic hearing loss 2; Usher syndrome type 1. Review status: criteria provided, single submitter. Criteria: ACMG Guidelines, 2015. Collection method: clinical testing. Allele origin: germline.
Comment: Multiple lines of computational evidence support a deleterious effect on the gene or gene product.;Co-segregation with disease in multiple affected family members.;For recessive disorders, detected in trans with a pathogenic variant.

Counsyl
Classification: Likely pathogenic for Autosomal recessive nonsyndromic hearing loss 2. Last evaluated: 2017-10-12. Review status: no assertion criteria provided. Collection method: clinical testing. Allele origin: unknown. Not counted in ClinVar's aggregate classification.

Hereditary Research Laboratory, Bethlehem University
Classification: Pathogenic for Autosomal recessive nonsyndromic hearing loss 2. Last evaluated: 2016-06-04. Review status: no assertion criteria provided. Collection method: research. Allele origin: germline. Affected: yes. Not counted in ClinVar's aggregate classification.

Literature cited by the submitters: PubMed 10094549 (cited by 4 submitters); PubMed 19375528 (cited by 3 submitters); PubMed 19888295 (cited by 4 submitters); PubMed 23770805 (cited by 4 submitters); PubMed 26226137 (cited by 4 submitters); PubMed 28451532 (cited by 5 submitters); PubMed 32747562 (cited by 4 submitters); PubMed 38711914 (cited by 3 submitters); PubMed 26561413 (cited by 3 submitters); PubMed 36164746 (cited by OLLIN Analises Genomicas, OLLIN); PubMed 18181211 (cited by OLLIN Analises Genomicas, OLLIN); PubMed 34230634 (cited by OLLIN Analises Genomicas, OLLIN); PubMed 31160754 (cited by OLLIN Analises Genomicas, OLLIN); PubMed 26969326 (cited by Natera, Inc.); PubMed 27460420 (cited by Natera, Inc. and Genetics Research Center, University of Social Welfare and Rehabilitation Sciences); PubMed 31964843 (cited by Institute of Human Genetics, Univ. Regensburg, Univ. Regensburg and Genetics Research Center, University of Social Welfare and Rehabilitation Sciences); PubMed 12786748 (cited by Genetics Research Center, University of Social Welfare and Rehabilitation Sciences); PubMed 24105371 (cited by Genetics Research Center, University of Social Welfare and Rehabilitation Sciences and Counsyl); PubMed 21117948 (cited by Genetics Research Center, University of Social Welfare and Rehabilitation Sciences); PubMed 23226338 (cited by Genetics Research Center, University of Social Welfare and Rehabilitation Sciences); PubMed 30531642 (cited by Genetics Research Center, University of Social Welfare and Rehabilitation Sciences); PubMed 38465142 (cited by Genetics Research Center, University of Social Welfare and Rehabilitation Sciences); PubMed 33528536 (cited by Genetics Research Center, University of Social Welfare and Rehabilitation Sciences); PubMed 28660889 (cited by Genetics Research Center, University of Social Welfare and Rehabilitation Sciences).